The following is an entry in ClinVar:

ClinVar aggregate classification (germline): Uncertain significance (0 of 4 stars; one submission).

Conditions:
TRIM37-related disorder. Also called: TRIM37-related condition.

Submission:

PreventionGenetics, part of Exact Sciences
Classification: Uncertain significance for TRIM37-related condition. Last evaluated: 2024-08-28. Review status: no assertion criteria provided. Collection method: clinical testing. Allele origin: germline.
Comment: The TRIM37 c.2246A>C variant is predicted to result in the amino acid substitution p.Tyr749Ser. To our knowledge, this variant has not been reported in the literature or in a large population database, indicating this variant is rare. At this time, the clinical significance of this variant is uncertain due to the absence of conclusive functional and genetic evidence.

NM_015294.6(TRIM37):c.2246A>C (p.Tyr749Ser)

Gene: TRIM37 (tripartite motif containing 37; minus strand). Cytogenetic location: 17q22.
Variant type: single nucleotide variant.
Coding change: c.2246A>C on transcript NM_015294.6 (MANE Select); coding-DNA position 2246, A replaced by C.
Protein change: p.Tyr749Ser; replaces tyrosine 749 with serine.
Molecular consequence: missense variant. On other transcripts: non-coding transcript variant (2).
Genome position (GRCh38, 1-based): chr17:59,028,426, T>G on the plus strand (A>C on the coding strand, the complement: TRIM37 is on the minus strand). VCF-style: chr17-59028426-T-G. GRCh37 (hg19) VCF-style: chr17-57105787-T-G.
Other names: c.2246A>C, p.Tyr749Ser (NM_001005207.5, NM_001320988.3, NM_001320989.3 and 1 more transcripts); c.2144A>C, p.Tyr715Ser (NM_001320987.3, NM_001353082.2); c.1880A>C, p.Tyr627Ser (NM_001320990.3); c.1511A>C, p.Tyr504Ser (NM_001353083.2); c.1784A>C, p.Tyr595Ser (NM_001353085.2); c.2195A>C, p.Tyr732Ser (NM_001353086.2); short protein forms Y504S, Y595S, Y627S, Y715S, Y732S, Y749S.
Identifiers: ClinVar variation 3347663 (VCV003347663.1).
Genomic context (GRCh38, chr17:59,028,426, plus strand): 5'-GTTTCCCAAATAACGTGTGGAGAAATGACACTGGGAACATATTACTTACAGTTTCGTATG[T>G]AACAATTGGCAACTGATGACTTTGCCAGGAGTTCCATTCCCAAATCCTGCAATCTGCCAG-3'
Protein context (NP_056109.1, residues 739-759): LLAKSSVANC[Tyr749Ser]IRNSTNKKSN